The following is an entry in ClinVar:

NM_000211.5(ITGB2):c.*145C>A

Gene: ITGB2 (integrin subunit beta 2; minus strand). Cytogenetic location: 21q22.3.
Variant type: single nucleotide variant.
Coding change: c.*145C>A on transcript NM_000211.5 (MANE Select); 145 bases downstream of the stop codon, C replaced by A.
Molecular consequence: 3 prime UTR variant.
Genome position (GRCh38, 1-based): chr21:44,886,223, G>T on the plus strand (C>A on the coding strand, the complement: ITGB2 is on the minus strand). VCF-style: chr21-44886223-G-T. GRCh37 (hg19) VCF-style: chr21-46306138-G-T.
Other names: c.*145C>A (LRG_76t1, NM_001127491.3, NM_001303238.2).
Identifiers: ClinVar variation 340133 (VCV000340133.15), dbSNP rs1160263, ClinGen allele CA10650588.

ClinVar aggregate classification (germline): Benign. Review status: criteria provided, multiple submitters, no conflicts (2 of 4 stars). 4 submissions from 4 submitters: Benign (4). Last evaluated 2026-01-26.

Conditions:
Leukocyte adhesion deficiency 1 (LAD1). Also called: LEUKOCYTE ADHESION DEFICIENCY, TYPE I; LAD 1; Lymphocyte function-associated antigen 1 immunodeficiency; LFA 1 immunodeficiency. Identifiers: Orphanet 2968, Orphanet 99842, MedGen C0398738, MONDO:0007293, OMIM 116920.

Allele frequency attached by ClinVar (database versions not stated): TOPMed 0.12361; 1000 Genomes Project 30x 0.15350; 1000 Genomes Project 0.15935.
gnomAD v4.1: 139,659 of 802,898 alleles (17%); highest among the groups gnomAD compares: South Asian, 26%; 13,567 homozygotes.

Submissions (4):

Labcorp Genetics (formerly Invitae), Labcorp
Classification: Benign for Leukocyte adhesion deficiency 1. Last evaluated: 2026-01-26. Review status: criteria provided, single submitter. Criteria: Invitae Variant Classification Sherloc (09022015). Collection method: clinical testing. Allele origin: germline.

Illumina Laboratory Services, Illumina
Classification: Benign for Leukocyte adhesion deficiency 1. Last evaluated: 2018-01-12. Review status: criteria provided, single submitter. Criteria: ICSL Variant Classification Criteria 13 December 2019. Collection method: clinical testing. Allele origin: germline.
Comment: This variant was observed in the ICSL laboratory as part of a predisposition screen in an ostensibly healthy population. It had not been previously curated by ICSL or reported in the Human Gene Mutation Database (HGMD: prior to June 1st, 2018), and was therefore a candidate for classification through an automated scoring system. Utilizing variant allele frequency, disease prevalence and penetrance estimates, and inheritance mode, an automated score was calculated to assess if this variant is too frequent to cause the disease. Based on the score and internal cut-off values, a variant classified as benign is not then subjected to further curation. The score for this variant resulted in a classification of benign for this disease.

GeneDx
Classification: Benign. Last evaluated: 2015-03-03. Review status: criteria provided, single submitter. Criteria: GeneDx Variant Classification Process June 2021. Collection method: clinical testing. Allele origin: germline. Affected: yes.
Comment: This variant is associated with the following publications: (PMID: 23921155)

Breakthrough Genomics
Classification: Benign. Review status: criteria provided, single submitter. Criteria: ACMG Guidelines, 2015. Collection method: not provided. Allele origin: germline. Inheritance: Autosomal recessive inheritance. Affected: yes.